The following is an entry in ClinVar:

NM_182961.4(SYNE1):c.502A>G (p.Ser168Gly)

Gene: SYNE1 (spectrin repeat containing nuclear envelope protein 1; minus strand). Cytogenetic location: 6q25.2.
Variant type: single nucleotide variant.
Coding change: c.502A>G on transcript NM_182961.4 (MANE Select); coding-DNA position 502, A replaced by G.
Protein change: p.Ser168Gly; replaces serine 168 with glycine.
Molecular consequence: missense variant.
Genome position (GRCh38, 1-based): chr6:152,510,272, T>C on the plus strand (A>G on the coding strand, the complement: SYNE1 is on the minus strand). VCF-style: chr6-152510272-T-C. GRCh37 (hg19) VCF-style: chr6-152831407-T-C.
Other names: c.523A>G, p.Ser175Gly (NM_033071.5); c.523A>G (NM_033071.3); short protein forms S175G, S168G.
Identifiers: ClinVar variation 1509796 (VCV001509796.9), dbSNP rs776344465, ClinGen allele CA4059713.

ClinVar aggregate classification (germline): Uncertain significance. Review status: criteria provided, multiple submitters, no conflicts (2 of 4 stars). 2 submissions from 2 submitters: Uncertain significance (2). Last evaluated 2024-09-24.

Conditions:
Emery-Dreifuss muscular dystrophy 4, autosomal dominant (EDMD4). Also called: EMERY-DREIFUSS MUSCULAR DYSTROPHY 4 WITH VARIABLE FEATURES. Identifiers: Orphanet 261, MedGen C2751807, MONDO:0013071, OMIM 612998.
Autosomal recessive ataxia, Beauce type. Also called: Spinocerebellar ataxia, autosomal recessive 8; ATAXIA, RECESSIVE, OF BEAUCE; SYNE1 Deficiency; SYNE1-Related Autosomal Recessive Cerebellar Ataxia. Identifiers: Orphanet 88644, MedGen C1853116, MONDO:0012549, OMIM 610743.

Allele frequency attached by ClinVar (database versions not stated): TOPMed below 0.00001; gnomAD exomes 0.00001; ExAC 0.00002.
gnomAD v4.1: 7 of 1,614,030 alleles (0.00043%); highest among the groups gnomAD compares: East Asian, 0.0067%; no homozygotes.

Submissions (2):

GeneDx
Classification: Uncertain significance. Last evaluated: 2024-09-24. Review status: criteria provided, single submitter. Criteria: GeneDx Variant Classification Process June 2021. Collection method: clinical testing. Allele origin: germline. Affected: yes.
Comment: Not observed at significant frequency in large population cohorts (gnomAD); In silico analysis supports that this missense variant has a deleterious effect on protein structure/function; Has not been previously published as pathogenic or benign to our knowledge

Labcorp Genetics (formerly Invitae), Labcorp
Classification: Uncertain significance for Emery-Dreifuss muscular dystrophy 4, autosomal dominant; Autosomal recessive ataxia, Beauce type. Last evaluated: 2024-01-08. Review status: criteria provided, single submitter. Criteria: Invitae Variant Classification Sherloc (09022015). Collection method: clinical testing. Allele origin: germline.
Comment: This sequence change replaces serine, which is neutral and polar, with glycine, which is neutral and non-polar, at codon 175 of the SYNE1 protein (p.Ser175Gly). This variant is present in population databases (rs776344465, gnomAD 0.004%). This variant has not been reported in the literature in individuals affected with SYNE1-related conditions. ClinVar contains an entry for this variant (Variation ID: 1509796). An algorithm developed to predict the effect of missense changes on protein structure and function (PolyPhen-2) suggests that this variant is likely to be tolerated. In summary, the available evidence is currently insufficient to determine the role of this variant in disease. Therefore, it has been classified as a Variant of Uncertain Significance.